The following is an entry in ClinVar:

NM_016562.4(TLR7):c.849A>G (p.Val283=)

Gene: TLR7 (toll like receptor 7; plus strand). Cytogenetic location: Xp22.2.
Variant type: single nucleotide variant.
Coding change: c.849A>G on transcript NM_016562.4 (MANE Select); coding-DNA position 849, A replaced by G.
Protein change: p.Val283=; no amino-acid change (valine 283 retained).
Molecular consequence: synonymous variant.
Genome position (GRCh38, 1-based): chrX:12,886,357, A>G. VCF-style: chrX-12886357-A-G. GRCh37 (hg19) VCF-style: chrX-12904476-A-G.
Identifiers: ClinVar variation 2660017 (VCV002660017.24), dbSNP rs750684005, ClinGen allele CA10349971.
Genomic context (GRCh38, chrX:12,886,357, plus strand): 5'-TTATAATGCCCCATTTCCTTGTGCGCCGTGTAAAAATAATTCTCCCCTACAGATCCCTGT[A>G]AATGCTTTTGATGCGCTGACAGAATTAAAAGTTTTACGTCTACACAGTAACTCTCTTCAG-3'
Protein context (NP_057646.1, residues 273-293): CKNNSPLQIP[Val283=]NAFDALTELK

ClinVar aggregate classification (germline): Likely benign (1 of 4 stars; one submission).

Allele frequency attached by ClinVar (database versions not stated): ExAC 0.00001; gnomAD exomes 0.00001; TOPMed 0.00002; gnomAD 0.00005.
gnomAD v4.1: 11 of 1,210,452 alleles (0.00091%); highest among the groups gnomAD compares: African/African-American, 0.01%; no homozygotes.

Submission:

CeGaT Center for Human Genetics Tuebingen
Classification: Likely benign. Last evaluated: 2022-10-01. Review status: criteria provided, single submitter. Criteria: CeGaT Center For Human Genetics Tuebingen Variant Classification Criteria Version 2. Collection method: clinical testing. Allele origin: germline. Affected: yes. Observed: 1 variant allele.
Comment: TLR7: BP4, BP7